The following is an entry in ClinVar:

NM_014915.3(ANKRD26):c.1269+1G>A

Gene: ANKRD26 (ankyrin repeat domain 26; minus strand). Cytogenetic location: 10p12.1.
Variant type: single nucleotide variant.
Coding change: c.1269+1G>A on transcript NM_014915.3 (MANE Select); the canonical splice donor site of the intron after coding-DNA position 1269, G replaced by A.
Molecular consequence: splice donor variant.
Genome position (GRCh38, 1-based): chr10:27,066,486, C>T on the plus strand (G>A on the coding strand, the complement: ANKRD26 is on the minus strand). VCF-style: chr10-27066486-C-T. GRCh37 (hg19) VCF-style: chr10-27355415-C-T.
Other names: c.1269+1G>A (NM_001256053.2).
Identifiers: ClinVar variation 2903428 (VCV002903428.4), dbSNP rs2539028580, ClinGen allele CA376359353.
Genomic context (GRCh38, chr10:27,066,486, plus strand): 5'-TATGTTTTAACATCACTCAATGCTTATATTTTAAAATAATAGTAACAACCATAGAAAGTA[C>T]CTCAGAATCCCAAGGTGATTCTATATCTTCCTCTTGTCCTAATCCTAATGCGGACATCAT-3'

ClinVar aggregate classification (germline): Uncertain significance. Review status: criteria provided, multiple submitters, no conflicts (2 of 4 stars). 2 submissions from 2 submitters: Uncertain significance (2). Last evaluated 2025-04-22.

Submissions (2):

GeneDx
Classification: Uncertain significance. Last evaluated: 2025-04-22. Review status: criteria provided, single submitter. Criteria: GeneDx Variant Classification Process June 2021. Collection method: clinical testing. Allele origin: germline. Affected: yes.
Comment: Not observed at significant frequency in large population cohorts (gnomAD); Has not been previously published as pathogenic or benign to our knowledge; Canonical splice site variant in a gene for which loss-of-function is not an established mechanism of disease

Labcorp Genetics (formerly Invitae), Labcorp
Classification: Uncertain significance. Last evaluated: 2024-06-06. Review status: criteria provided, single submitter. Criteria: Invitae Variant Classification Sherloc (09022015). Collection method: clinical testing. Allele origin: germline.
Comment: This sequence change affects a donor splice site in intron 11 of the ANKRD26 gene. It is expected to disrupt RNA splicing. Variants that disrupt the donor or acceptor splice site typically lead to a loss of protein function (PMID: 16199547), however the current clinical and genetic evidence is not sufficient to establish whether loss-of-function variants in ANKRD26 cause disease. This variant is not present in population databases (gnomAD no frequency). This variant has not been reported in the literature in individuals affected with ANKRD26-related conditions. Algorithms developed to predict the effect of sequence changes on RNA splicing suggest that this variant may disrupt the consensus splice site. In summary, the available evidence is currently insufficient to determine the role of this variant in disease. Therefore, it has been classified as a Variant of Uncertain Significance.

Literature cited by the submitters: PubMed 16199547 (cited by Labcorp Genetics (formerly Invitae), Labcorp).